The following is an entry in ClinVar:

ClinVar aggregate classification (germline): Uncertain significance. Review status: criteria provided, multiple submitters, no conflicts (2 of 4 stars). 4 submissions from 4 submitters: Uncertain significance (4). Last evaluated 2026-08-01.

Conditions:
Pheochromocytoma/paraganglioma syndrome 5. Also called: Paragangliomas 5; SDHA-Related Hereditary Paraganglioma-Pheochromocytoma Syndrome. Identifiers: Orphanet 29072, MedGen C3279992, MONDO:0013602, OMIM 614165.
Mitochondrial complex II deficiency, nuclear type 1. Also called: SUCCINATE CoQ REDUCTASE DEFICIENCY. Identifiers: Orphanet 3208, MedGen C5700310, MONDO:0100294, OMIM 252011.
Hereditary cancer-predisposing syndrome. Also called: Hereditary Cancer Syndrome; Neoplastic Syndromes, Hereditary; Hereditary neoplastic syndrome; Tumor predisposition. Identifiers: Orphanet 140162, MedGen C0027672, MeSH D009386, MONDO:0015356.
Dilated cardiomyopathy 1GG (CMD1GG). Identifiers: Orphanet 154, MedGen C3150898, MONDO:0013339, OMIM 613642.

Allele frequency attached by ClinVar (database versions not stated): TOPMed below 0.00001; ExAC 0.00001; gnomAD exomes 0.00001; ESP Exome Variant Server 0.00008.

Submissions (4):

CeGaT Center for Human Genetics Tuebingen
Classification: Uncertain significance. Last evaluated: 2026-08-01. Review status: criteria provided, single submitter. Criteria: CeGaT Center For Human Genetics Tuebingen Variant Classification Criteria Version 2. Collection method: clinical testing. Allele origin: germline. Affected: yes. Observed: 2 variant alleles.
Comment: SDHA: PM2, PP4, PS4:Supporting, BP1

Labcorp Genetics (formerly Invitae), Labcorp
Classification: Uncertain significance for Pheochromocytoma/paraganglioma syndrome 5; Mitochondrial complex II deficiency, nuclear type 1. Last evaluated: 2025-06-01. Review status: criteria provided, single submitter. Criteria: Invitae Variant Classification Sherloc (09022015). Collection method: clinical testing. Allele origin: germline.
Comment: This sequence change replaces arginine, which is basic and polar, with cysteine, which is neutral and slightly polar, at codon 261 of the SDHA protein (p.Arg261Cys). This variant is present in population databases (rs143484394, gnomAD 0.004%). This variant has not been reported in the literature in individuals affected with SDHA-related conditions. ClinVar contains an entry for this variant (Variation ID: 539677). Invitae Evidence Modeling of protein sequence and biophysical properties (such as structural, functional, and spatial information, amino acid conservation, physicochemical variation, residue mobility, and thermodynamic stability) has been performed for this missense variant. However, the output from this modeling did not meet the statistical confidence thresholds required to predict the impact of this variant on SDHA protein function. In summary, the available evidence is currently insufficient to determine the role of this variant in disease. Therefore, it has been classified as a Variant of Uncertain Significance.

Baylor Genetics
Classification: Uncertain significance for Dilated cardiomyopathy 1GG. Last evaluated: 2023-11-29. Review status: criteria provided, single submitter. Criteria: ACMG Guidelines, 2015. Collection method: clinical testing. Allele origin: unknown.

Ambry Genetics
Classification: Uncertain significance for Hereditary cancer-predisposing syndrome. Last evaluated: 2023-08-31. Review status: criteria provided, single submitter. Criteria: Ambry Variant Classification Scheme 2023. Collection method: clinical testing. Allele origin: germline.
Comment: The p.R261C variant (also known as c.781C>T), located in coding exon 7 of the SDHA gene, results from a C to T substitution at nucleotide position 781. The arginine at codon 261 is replaced by cysteine, an amino acid with highly dissimilar properties. This amino acid position is highly conserved in available vertebrate species. In addition, this alteration is predicted to be deleterious by in silico analysis. Since supporting evidence is limited at this time, the clinical significance of this alteration remains unclear.

NM_004168.4(SDHA):c.781C>T (p.Arg261Cys)

Gene: SDHA (succinate dehydrogenase complex flavoprotein subunit A; plus strand). Cytogenetic location: 5p15.33.
Variant type: single nucleotide variant.
Coding change: c.781C>T on transcript NM_004168.4 (MANE Select); coding-DNA position 781, C replaced by T.
Protein change: p.Arg261Cys; replaces arginine 261 with cysteine.
Molecular consequence: missense variant.
Genome position (GRCh38, 1-based): chr5:230,886, C>T. VCF-style: chr5-230886-C-T. GRCh37 (hg19) VCF-style: chr5-231001-C-T.
Other names: c.637C>T, p.Arg213Cys (NM_001294332.2); c.781C>T, p.Arg261Cys (NM_001330758.2); short protein forms R261C, R213C.
Identifiers: ClinVar variation 539677 (VCV000539677.15), dbSNP rs143484394, ClinGen allele CA3172995.